The following is an entry in ClinVar:

ClinVar aggregate classification (germline): Pathogenic (1 of 4 stars; one submission).

Conditions:
Hereditary cancer-predisposing syndrome. Also called: Neoplastic Syndromes, Hereditary; Tumor predisposition; Hereditary Cancer Syndrome; Hereditary neoplastic syndrome. Identifiers: Orphanet 140162, MedGen C0027672, MeSH D009386, MONDO:0015356.

Submission:

Ambry Genetics
Classification: Pathogenic for Hereditary cancer-predisposing syndrome. Last evaluated: 2026-03-02. Review status: criteria provided, single submitter. Criteria: Ambry Variant Classification Scheme 2023. Collection method: clinical testing. Allele origin: germline.
Comment: The c.295delG variant, located in coding exon 3 of the SDHAF2 gene, results from a deletion of one nucleotide at nucleotide position 295, causing a translational frameshift with a predicted alternate stop codon (p.E99Kfs*4). This variant is considered to be rare based on population cohorts in the Genome Aggregation Database (gnomAD). This variant is expected to result in loss of function by premature protein truncation or nonsense-mediated mRNA decay. As such, this variant is interpreted as a disease-causing mutation.

NM_017841.4(SDHAF2):c.295del (p.Glu99fs)

Gene: SDHAF2 (succinate dehydrogenase complex assembly factor 2; plus strand). Cytogenetic location: 11q12.2.
Variant type: Deletion.
Coding change: c.295del on transcript NM_017841.4 (MANE Select); coding-DNA position 295, one base deleted (G; older notation c.295delG).
Protein change: p.Glu99fs; shifts the reading frame from glutamic acid 99.
Molecular consequence: frameshift variant.
Genome position (GRCh38, 1-based): chr11:61,438,038, G deleted. VCF-style (leftmost placement, unchanged base first): chr11-61438037-AG-A. GRCh37 (hg19) VCF-style: chr11-61205509-AG-A.
Other names: short protein forms E99fs.
Identifiers: ClinVar variation 4844579 (VCV004844579.1).